The following is an entry in ClinVar:

ClinVar aggregate classification (germline): Uncertain significance (1 of 4 stars; one submission).

Conditions:
Familial intrahepatic cholestasis. Identifiers: Orphanet 284385, MedGen CN296401, MONDO:0017290.

gnomAD v4.1: 1 of 1,612,890 alleles (0.000062%); highest among the groups gnomAD compares: Non-Finnish European, 0.000085%; no homozygotes.

Submission:

Genomenon, Inc
Classification: Uncertain significance for Familial intrahepatic cholestasis. Last evaluated: 2026-04-14. Review status: criteria provided, single submitter. Criteria: Genomenon Sequence Variant Interpretation Standards - Updated. Collection method: curation. Allele origin: germline. Affected: yes.
Comment: ABCB11 p.Tyr538Cys (c.1613A>G) is a missense variant that changes the amino acid at residue 538 from Tyrosine to Cysteine. This variant has been observed in at least one proband with an ABCB11-related disorder (PMID:38341604). It is absent or not present at a significant frequency in gnomAD. In silico models predict that this variant is possibly or probably damaging. In conclusion, we classify ABCB11 p.Tyr538Cys (c.1613A>G) as a variant of uncertain significance.

Literature cited by the submitters: PubMed 38341604.

NM_003742.4(ABCB11):c.1613A>G (p.Tyr538Cys)

Gene: ABCB11 (ATP binding cassette subfamily B member 11; minus strand). Cytogenetic location: 2q31.1.
Variant type: single nucleotide variant.
Coding change: c.1613A>G on transcript NM_003742.4 (MANE Select); coding-DNA position 1613, A replaced by G.
Protein change: p.Tyr538Cys; replaces tyrosine 538 with cysteine.
Molecular consequence: missense variant.
Genome position (GRCh38, 1-based): chr2:168,971,872, T>C on the plus strand (A>G on the coding strand, the complement: ABCB11 is on the minus strand). VCF-style: chr2-168971872-T-C. GRCh37 (hg19) VCF-style: chr2-169828382-T-C.
Other names: short protein forms Y538C.
Identifiers: ClinVar variation 4846231 (VCV004846231.1).